The following is an entry in ClinVar:

NC_012920.1(MT-CO1):m.7444G>A

Genes: MT-CO1 (mitochondrially encoded cytochrome c oxidase I; plus strand), MT-TS1 (mitochondrially encoded tRNA serine 1 (UCN); minus strand).
Variant type: single nucleotide variant.
Genome position: chrM-7444-G-A.
Other names: MTCO1*LHON7444A; *514K; 7444G-A.
Identifiers: ClinVar variation 9663 (VCV000009663.13), dbSNP rs199474822, ClinGen allele CA254851.
Genomic context (GRCh38, chrMT:7,444, plus strand): 5'-GACTATATGGATGCCCCCCACCCTACCACACATTCGAAGAACCCGTATACATAAAATCTA[G>A]ACAAAAAAGGAAGGAATCGAACCCCCCAAAGCTGGTTTCAAGCCAACCCCATGGCCTCCA-3'

ClinVar aggregate classification (germline): Likely benign. Review status: reviewed by expert panel (3 of 4 stars). 8 submissions from 6 submitters: Likely benign (1). 7 of the submissions do not count toward it. Last evaluated 2023-06-26.

Conditions:
Mitochondrial disease. Also called: Mitochondrial disorder; Mitochondrial disorders. Identifiers: Orphanet 68380, MedGen C0751651, MeSH D028361, MONDO:0044970.
Leber optic atrophy (LHON). Also called: Leber's disease; Optic Atrophy, Hereditary, Leber; Leber's optic atrophy; Leber hereditary optic neuropathy. Identifiers: Orphanet 104, MedGen C0917796, MONDO:0010788, OMIM 535000, HP:0001112.
Mitochondrial non-syndromic sensorineural hearing loss. Also called: Nonsyndromic Hearing Loss and Deafness, Mitochondrial. Identifiers: Orphanet 90641, MedGen C3151897, MONDO:0010779, OMIM 500008.
Leigh syndrome (NULS). Also called: Leigh's syndrome; LEIGH SYNDROME, NUCLEAR; Subacute necrotizing encephalopathy; Necrotizing encephalopathy infantile subacute of Leigh; Leigh Syndrome (mtDNA deletion); Leigh Disease. Identifiers: Orphanet 506, MedGen C2931891, MONDO:0009723, OMIM 256000.
Aminoglycoside-induced deafness. Also called: STREPTOMYCIN OTOTOXICITY; MT-RNR1-Related Hearing Loss and Deafness; DEAFNESS, STREPTOMYCIN-INDUCED. Identifiers: Orphanet 168609, MedGen C1838854, MONDO:0010799, OMIM 580000.

Submissions (8):

ClinGen Mitochondrial Disease Nuclear and Mitochondrial  Variant Curation Expert Panel, ClinGen
Classification: Likely benign for Mitochondrial disease. Last evaluated: 2023-06-26. Review status: reviewed by expert panel. Criteria: McCormick et al. (Hum Mutat. 2020). Collection method: curation. Allele origin: germline. Inheritance: Mitochondrial inheritance.
Comment: The m.7444G>A (p.term514K) in MT-CO1 was reviewed by the Mitochondrial Disease Nuclear and Mitochondrial Variant Curation Expert Panel on June 26, 2023. This variant has been reported in several individuals with features of primary mitochondrial disease beginning in 1992 (Leber Hereditary Optic Neuropathy or LHON, PMID: 1322638; hearing loss, PMID: 16500624), however other genetic etiologies were not excluded due to technical limitations at the time and this variant is now recognized to be present at high frequencies in population databases. Furthermore, this variant has been seen in individuals with other well-known pathogenic mitochondrial DNA variants (family with LHON and m.3460G>A, PMID: 7901141; family with hearing loss and m.1555A>G, PMID: 16152638; BP2). The variant was seen at homoplasmy in affected and unaffected family members in several of these publications precluding consideration of segregation evidence. There are no reported de novo occurrences of this variant to our knowledge. Some functional characterization was performed in patient cells, however abnormalities noted were nonspecific and other genetic etiologies were not assessed (PMID: 1322638). This variant is present at considerable frequencies in population databases (BS1). The frequency in the MITOMAP GenBank sequences is 206/59,389 (0.347%; 12/12 individuals in Hg V7, 3/3 individuals in Hg H40b, 4/4 individuals in V7b, 4/4 individuals in W4b, 84/86 individuals in V7a, also seen in individuals from M22b, M38a, H11, HV20, P2, B2e, and others). The frequency in gnomAD v3.1.2 is 302/56,419 (0.535%). Indeed, there are 302 homoplasmic occurrences (seen in all populations except Amish and Middle Eastern, seen across every haplogroup listed; seen in individuals ages 30 years to >80 years) in addition to 10 heteroplasmic occurrences (seen in multiple populations, haplogroups, and heteroplasmy levels). The frequency in the Helix dataset is 775/195,983 (0.395%). Indeed, there are 775 homoplasmic occurrences (seen across many haplogroups) and 24 heteroplasmic occurrences (seen across many haplogroups). There are no in silico predictors for this type of variant in mitochondrial DNA. In summary, this variant meets criteria to be classified as likely benign for primary mitochondrial disease inherited in a mitochondrial manner. This classification was approved by the NICHD/NINDS U24 ClinGen Mitochondrial Disease Variant Curation Expert Panel on June 26, 2023. Mitochondrial DNA-specific ACMG/AMP criteria applied: BS1, BP2.

Laboratory of Genetics, Children's Clinical University Hospital Latvia
Classification: Likely benign. Last evaluated: 2025-02-16. Review status: criteria provided, single submitter. Criteria: ACMG Guidelines, 2015. Collection method: clinical testing. Allele origin: germline. Affected: yes. Not counted in ClinVar's aggregate classification.

Institute of Medical Genetics and Applied Genomics, University Hospital Tübingen
Classification: Pathogenic. Last evaluated: 2020-10-23. Review status: criteria provided, single submitter. Criteria: ACMG Guidelines, 2015. Collection method: clinical testing. Allele origin: germline. Inheritance: Mitochondrial inheritance. Affected: yes. Not counted in ClinVar's aggregate classification.

Wong Mito Lab, Molecular and Human Genetics, Baylor College of Medicine
Classification: Benign for Leigh syndrome. Last evaluated: 2019-10-17. Review status: criteria provided, single submitter. Criteria: Modified ACMG Guidelines (Unpublished). Collection method: clinical testing. Allele origin: germline. Not counted in ClinVar's aggregate classification.
Comment: The NC_012920.1:m.7444G>A (YP_003024028.1:p.Ter514LysextX4) variant in MTCO1 gene is interpretated to be a Benign variant based on the modified ACMG guidelines (unpublished). This variant meets the following evidence codes: BS1, BS2

OMIM
Classification: Pathogenic for DEAFNESS, AMINOGLYCOSIDE-INDUCED. Last evaluated: 2007-09-14. Review status: no assertion criteria provided. Collection method: literature only. Allele origin: germline. Not counted in ClinVar's aggregate classification.

OMIM
Classification: Pathogenic for LEBER OPTIC ATROPHY. Last evaluated: 2005-10-01. Review status: no assertion criteria provided. Collection method: literature only. Allele origin: germline. Not counted in ClinVar's aggregate classification.

OMIM
Classification: Pathogenic for DEAFNESS, NONSYNDROMIC SENSORINEURAL, MITOCHONDRIAL. Last evaluated: 2005-10-01. Review status: no assertion criteria provided. Collection method: literature only. Allele origin: germline. Not counted in ClinVar's aggregate classification.

GeneReviews
No classification provided. Condition: Mitochondrial non-syndromic sensorineural hearing loss. Review status: no classification provided. Collection method: literature only. Allele origin: maternal. Not counted in ClinVar's aggregate classification.

Literature cited by the submitters: PubMed 8680405 (cited by Wong Mito Lab, Molecular and Human Genetics, Baylor College of Medicine); PubMed 1732158 (cited by Wong Mito Lab, Molecular and Human Genetics, Baylor College of Medicine); PubMed 1322638 (cited by Wong Mito Lab, Molecular and Human Genetics, Baylor College of Medicine); PubMed 8060346 (cited by Wong Mito Lab, Molecular and Human Genetics, Baylor College of Medicine); PubMed 17659260 (cited by OMIM); PubMed 1634041 (cited by OMIM); PubMed 8240356 (cited by OMIM); Brown, M. D., Wallace, D. C. Molecular basis of mitochondrial DNA disease. J. Bioenerg. Biomembr. 26: 263-279, 1994. (cited by OMIM); PubMed 10577941 (cited by OMIM); PubMed 9742104 (cited by OMIM); PubMed 16152638 (cited by OMIM); NCBI Bookshelf NBK1422 (cited by GeneReviews); PubMed 20301595 (cited by GeneReviews).